The following is an entry in ClinVar:

NM_002471.4(MYH6):c.3733-2A>G

Gene: MYH6 (myosin heavy chain 6; minus strand). Cytogenetic location: 14q11.2.
Variant type: single nucleotide variant.
Coding change: c.3733-2A>G on transcript NM_002471.4 (MANE Select); the canonical splice acceptor site of the intron before coding-DNA position 3733, A replaced by G.
Molecular consequence: splice acceptor variant.
Genome position (GRCh38, 1-based): chr14:23,389,721, T>C on the plus strand (A>G on the coding strand, the complement: MYH6 is on the minus strand). VCF-style: chr14-23389721-T-C. GRCh37 (hg19) VCF-style: chr14-23858930-T-C.
Identifiers: ClinVar variation 1734406 (VCV001734406.2), dbSNP rs930039497, ClinGen allele CA389003976.
Genomic context (GRCh38, chr14:23,389,721, plus strand): 5'-TTCACGCGGTACTCATTGGCCTGGTCCTCCAGCGTCCGAGACACTTTCTCCAGGTTTGCC[T>C]TCAGGAAGCAAGACAGGAAGGGTGAGTGTGGGAGGGGCTGAGTCGACCAGAGGAAGGAAG-3'

ClinVar aggregate classification (germline): Uncertain significance (1 of 4 stars; one submission).

Conditions:
Cardiovascular phenotype. Identifiers: MedGen CN230736.

gnomAD v4.1: 1 of 1,613,952 alleles (0.000062%); highest among the groups gnomAD compares: Non-Finnish European, 0.000085%; no homozygotes.

Submission:

Ambry Genetics
Classification: Uncertain significance for Cardiovascular phenotype. Last evaluated: 2019-05-31. Review status: criteria provided, single submitter. Criteria: Ambry Variant Classification Scheme 2023. Collection method: clinical testing. Allele origin: germline.
Comment: The c.3733-2A>G intronic variant results from an A to G substitution two nucleotides upstream from coding exon 25 in the MYH6 gene. This nucleotide position is highly conserved in available vertebrate species. Using the BDGP and ESEfinder splice site prediction tools, this alteration is predicted to abolish the native splice acceptor site; however, direct evidence is unavailable. Alterations that disrupt the canonical splice site are expected to cause aberrant splicing, resulting in an abnormal protein or a transcript that is subject to nonsense-mediated mRNA decay. However, loss of function of MYH6 has not been clearly established as a mechanism of disease. Since supporting evidence is limited at this time, the clinical significance of this alteration remains unclear.